The following is an entry in ClinVar:

NM_001123385.2(BCOR):c.1927A>G (p.Asn643Asp)

Gene: BCOR (BCL6 corepressor; minus strand). Cytogenetic location: Xp11.4.
Variant type: single nucleotide variant.
Coding change: c.1927A>G on transcript NM_001123385.2 (MANE Select); coding-DNA position 1927, A replaced by G.
Protein change: p.Asn643Asp; replaces asparagine 643 with aspartic acid.
Molecular consequence: missense variant.
Genome position (GRCh38, 1-based): chrX:40,073,419, T>C on the plus strand (A>G on the coding strand, the complement: BCOR is on the minus strand). VCF-style: chrX-40073419-T-C. GRCh37 (hg19) VCF-style: chrX-39932672-T-C.
Other names: c.1927A>G, p.Asn643Asp (NM_001123383.2, NM_001123384.2, NM_017745.6); short protein forms N643D.
Identifiers: ClinVar variation 3673530 (VCV003673530.2).

ClinVar aggregate classification (germline): Uncertain significance (1 of 4 stars; one submission).

Conditions:
Oculofaciocardiodental syndrome (MCOPS2). Identifiers: Orphanet 2712, MedGen C1846265, MONDO:0010261, OMIM 300166.

gnomAD v4.1: 5 of 1,212,073 alleles (0.00041%); highest among the groups gnomAD compares: Middle Eastern, 0.023%; no homozygotes.

Submission:

Labcorp Genetics (formerly Invitae), Labcorp
Classification: Uncertain significance for Oculofaciocardiodental syndrome. Last evaluated: 2025-01-11. Review status: criteria provided, single submitter. Criteria: Invitae Variant Classification Sherloc (09022015). Collection method: clinical testing. Allele origin: germline.
Comment: This sequence change replaces asparagine, which is neutral and polar, with aspartic acid, which is acidic and polar, at codon 643 of the BCOR protein (p.Asn643Asp). This variant is present in population databases (rs776597639, gnomAD 0.005%). This variant has not been reported in the literature in individuals affected with BCOR-related conditions. An algorithm developed to predict the effect of missense changes on protein structure and function (PolyPhen-2) suggests that this variant is likely to be disruptive. In summary, the available evidence is currently insufficient to determine the role of this variant in disease. Therefore, it has been classified as a Variant of Uncertain Significance.